The following is an entry in ClinVar:

ClinVar aggregate classification (germline): Conflicting classifications of pathogenicity. Review status: criteria provided, conflicting classifications (1 of 4 stars). 7 submissions from 6 submitters: Uncertain significance (4); Benign (2); Likely benign (1). Last evaluated 2026-02-03.

Conditions:
Hypertrichotic osteochondrodysplasia Cantu type. Also called: Cantu Syndrome; Cantú Syndrome. Identifiers: Orphanet 1517, MedGen C0795905, MONDO:0009406, OMIM 239850.
Dilated cardiomyopathy 1O (CMD1O). Also called: CARDIOMYOPATHY, DILATED, WITH VENTRICULAR TACHYCARDIA. Identifiers: Orphanet 154, MedGen C1837839, MONDO:0012062, OMIM 608569.

Allele frequency attached by ClinVar (database versions not stated): TOPMed 0.00029; 1000 Genomes Project 30x 0.00031; 1000 Genomes Project 0.00040; gnomAD exomes 0.00046 and 0.00068; gnomAD 0.00052 and 0.00055; ExAC 0.00063; ESP Exome Variant Server 0.00092.
gnomAD v4.1: 741 of 1,608,738 alleles (0.046%); highest among the groups gnomAD compares: Middle Eastern, 0.099%; 3 homozygotes.

Submissions (7):

Labcorp Genetics (formerly Invitae), Labcorp
Classification: Benign for Dilated cardiomyopathy 1O. Last evaluated: 2026-02-03. Review status: criteria provided, single submitter. Criteria: Invitae Variant Classification Sherloc (09022015). Collection method: clinical testing. Allele origin: germline.

Blueprint Genetics
Classification: Likely benign. Last evaluated: 2024-11-27. Review status: criteria provided, single submitter. Criteria: ACMG Guidelines, 2015. Collection method: clinical testing. Allele origin: germline.

ARUP Laboratories, Molecular Genetics and Genomics, ARUP Laboratories
Classification: Uncertain significance. Last evaluated: 2019-02-19. Review status: criteria provided, single submitter. Criteria: ARUP Molecular Germline Variant Investigation Process. Collection method: clinical testing. Allele origin: germline.
Comment: The c.2770-13A>G variant (rs184123387) has not been reported in the medical literature, gene specific variation databases, nor has it been previously identified by our laboratory. This variant is listed in the Genome Aggregation Database (gnomAD) with a frequency of 0.3 percent in the European Finnish population (identified on 84 out of 25,766 chromosomes) and has been reported to the ClinVar database (Variation ID: 162686). Computational splice site prediction algorithms predict a weakening at the acceptor site of intron 22. Altogether, there is not enough evidence to classify the c.2770-13A>G variant with certainty.

Illumina Laboratory Services, Illumina
Classification: Uncertain significance for Hypertrichotic osteochondrodysplasia Cantu type. Last evaluated: 2018-01-13. Review status: criteria provided, single submitter. Criteria: ICSL Variant Classification Criteria 13 December 2019. Collection method: clinical testing. Allele origin: germline.

Illumina Laboratory Services, Illumina
Classification: Uncertain significance for Dilated cardiomyopathy 1O. Last evaluated: 2018-01-13. Review status: criteria provided, single submitter. Criteria: ICSL Variant Classification Criteria 13 December 2019. Collection method: clinical testing. Allele origin: germline.

GeneDx
Classification: Benign. Last evaluated: 2015-07-27. Review status: criteria provided, single submitter. Criteria: GeneDx Variant Classification (06012015). Collection method: clinical testing. Allele origin: germline. Affected: yes.
Comment: This variant is considered likely benign or benign based on one or more of the following criteria: it is a conservative change, it occurs at a poorly conserved position in the protein, it is predicted to be benign by multiple in silico algorithms, and/or has population frequency not consistent with disease.

Laboratory for Molecular Medicine, Mass General Brigham Personalized Medicine
Classification: Uncertain significance. Last evaluated: 2014-02-17. Review status: criteria provided, single submitter. Criteria: LMM Criteria. Collection method: clinical testing. Allele origin: germline. Observed: 1 variant allele.
Comment: Variant classified as Uncertain Significance - Favor Benign. The 2770-13A>G vari ant in ABCC9 has not been previously reported in individuals with cardiomyopathy , but has been identified in 0.1% (11/8600) of European American chromosomes by the NHLBI Exome Sequencing Project (dbSNP rs1 84123387). This variant is located in the 3' splice region. Computational tools do not suggest an impact to splicing. However, this information is not predictiv e enough to rule out pathogenicity. While this frequency suggests that this vari ant is more likely benign, it is too low to confidently rule out a disease causi ng role. Additional information is needed to fully assess its clinical significa nce.

NM_020297.4(ABCC9):c.2770-13A>G

Gene: ABCC9 (ATP binding cassette subfamily C member 9; minus strand). Cytogenetic location: 12p12.1.
Variant type: single nucleotide variant.
Coding change: c.2770-13A>G on transcript NM_020297.4 (MANE Select); 13 bases into the intron before coding-DNA position 2770, A replaced by G.
Molecular consequence: intron variant.
Genome position (GRCh38, 1-based): chr12:21,848,259, T>C on the plus strand (A>G on the coding strand, the complement: ABCC9 is on the minus strand). VCF-style: chr12-21848259-T-C. GRCh37 (hg19) VCF-style: chr12-22001193-T-C.
Other names: c.1903-13A>G (NM_001377274.1); c.2770-13A>G (NM_005691.4, NM_001377273.1).
Identifiers: ClinVar variation 162686 (VCV000162686.24), dbSNP rs184123387, ClinGen allele CA175151.